The following is an entry in ClinVar:

NM_152617.4(RNF168):c.22A>G (p.Ile8Val)

Gene: RNF168 (ring finger protein 168; minus strand). Cytogenetic location: 3q29.
Variant type: single nucleotide variant.
Coding change: c.22A>G on transcript NM_152617.4 (MANE Select); coding-DNA position 22, A replaced by G.
Protein change: p.Ile8Val; replaces isoleucine 8 with valine.
Molecular consequence: missense variant.
Genome position (GRCh38, 1-based): chr3:196,503,152, T>C on the plus strand (A>G on the coding strand, the complement: RNF168 is on the minus strand). VCF-style: chr3-196503152-T-C. GRCh37 (hg19) VCF-style: chr3-196230023-T-C.
Other names: short protein forms I8V.
Identifiers: ClinVar variation 3608547 (VCV003608547.3).

ClinVar aggregate classification (germline): Conflicting classifications of pathogenicity. Review status: criteria provided, conflicting classifications (1 of 4 stars). 2 submissions from 2 submitters: Uncertain significance (1); Likely benign (1). Last evaluated 2025-11-13.

Conditions:
Inborn genetic diseases. Identifiers: MedGen C0950123, MeSH D030342.

gnomAD v4.1: 16 of 1,613,934 alleles (0.00099%); highest among the groups gnomAD compares: South Asian, 0.012%; no homozygotes.

Submissions (2):

Ambry Genetics
Classification: Likely benign for Inborn genetic diseases. Last evaluated: 2025-11-13. Review status: criteria provided, single submitter. Criteria: Ambry Variant Classification Scheme 2023. Collection method: clinical testing. Allele origin: germline.

Labcorp Genetics (formerly Invitae), Labcorp
Classification: Uncertain significance. Last evaluated: 2025-01-06. Review status: criteria provided, single submitter. Criteria: Invitae Variant Classification Sherloc (09022015). Collection method: clinical testing. Allele origin: germline.
Comment: This sequence change replaces isoleucine, which is neutral and non-polar, with valine, which is neutral and non-polar, at codon 8 of the RNF168 protein (p.Ile8Val). This variant is present in population databases (rs537930729, gnomAD 0.02%). This variant has not been reported in the literature in individuals affected with RNF168-related conditions. An algorithm developed to predict the effect of missense changes on protein structure and function outputs the following: PolyPhen-2: "Benign". The valine amino acid residue is found in multiple mammalian species, which suggests that this missense change does not adversely affect protein function. In summary, the available evidence is currently insufficient to determine the role of this variant in disease. Therefore, it has been classified as a Variant of Uncertain Significance.